The following is an entry in ClinVar:

ClinVar aggregate classification (germline): Conflicting classifications of pathogenicity. Review status: criteria provided, conflicting classifications (1 of 4 stars). 2 submissions from 2 submitters: Uncertain significance (1); Likely benign (1). Last evaluated 2025-06-29.

Allele frequency attached by ClinVar (database versions not stated): gnomAD exomes below 0.00001 and 0.00001.
gnomAD v4.1: 4 of 1,611,700 alleles (0.00025%); highest among the groups gnomAD compares: Non-Finnish European, 0.00034%; no homozygotes.

Submissions (2):

Labcorp Genetics (formerly Invitae), Labcorp
Classification: Likely benign. Last evaluated: 2025-06-29. Review status: criteria provided, single submitter. Criteria: Invitae Variant Classification Sherloc (09022015). Collection method: clinical testing. Allele origin: germline.

GeneDx
Classification: Uncertain significance. Last evaluated: 2021-04-26. Review status: criteria provided, single submitter. Criteria: GeneDx Variant Classification Process June 2021. Collection method: clinical testing. Allele origin: germline. Affected: yes.
Comment: In silico analysis supports that this missense variant does not alter protein structure/function; Has not been previously published as pathogenic or benign to our knowledge

NM_004523.4(KIF11):c.132T>A (p.Asp44Glu)

Gene: KIF11 (kinesin family member 11; plus strand). Cytogenetic location: 10q23.33.
Variant type: single nucleotide variant.
Coding change: c.132T>A on transcript NM_004523.4 (MANE Select); coding-DNA position 132, T replaced by A.
Protein change: p.Asp44Glu; replaces aspartic acid 44 with glutamic acid.
Molecular consequence: missense variant.
Genome position (GRCh38, 1-based): chr10:92,606,319, T>A. VCF-style: chr10-92606319-T-A. GRCh37 (hg19) VCF-style: chr10-94366076-T-A.
Other names: short protein forms D44E.
Identifiers: ClinVar variation 1314900 (VCV001314900.3), dbSNP rs1564704121, ClinGen allele CA377587791.